The following is an entry in ClinVar:

ClinVar aggregate classification (germline): Uncertain significance. Review status: criteria provided, multiple submitters, no conflicts (2 of 4 stars). 2 submissions from 2 submitters: Uncertain significance (2). Last evaluated 2022-03-21.

Conditions:
Renal tubular acidosis with progressive nerve deafness. Also called: renal tubular acidosis, distal, 2, with progressive sensorineural hearing loss; RENAL TUBULAR ACIDOSIS, AUTOSOMAL RECESSIVE, WITH PROGRESSIVE NERVE DEAFNESS; Distal Renal Tubular Acidosis with Progressive Sensorineural Deafness; RTA WITH PROGRESSIVE NERVE DEAFNESS. Identifiers: MedGen C0403554, MONDO:0009968, OMIM 267300.

Allele frequency attached by ClinVar (database versions not stated): gnomAD exomes below 0.00001.

Submissions (2):

Fulgent Genetics
Classification: Uncertain significance for Renal tubular acidosis with progressive nerve deafness. Last evaluated: 2022-03-21. Review status: criteria provided, single submitter. Criteria: ACMG Guidelines, 2015. Collection method: clinical testing. Allele origin: unknown.

Labcorp Genetics (formerly Invitae), Labcorp
Classification: Uncertain significance. Last evaluated: 2021-08-27. Review status: criteria provided, single submitter. Criteria: Invitae Variant Classification Sherloc (09022015). Collection method: clinical testing. Allele origin: germline.
Comment: This sequence change affects the initiator methionine of the ATP6V1B1 mRNA. The next in-frame methionine is located at codon 3. This variant is not present in population databases (ExAC no frequency). This variant has not been reported in the literature in individuals affected with ATP6V1B1-related conditions. In summary, the available evidence is currently insufficient to determine the role of this variant in disease. Therefore, it has been classified as a Variant of Uncertain Significance.

NM_001692.4(ATP6V1B1):c.1A>C (p.Met1Leu)

Gene: ATP6V1B1 (ATPase H+ transporting V1 subunit B1; plus strand). Cytogenetic location: 2p13.3.
Variant type: single nucleotide variant.
Coding change: c.1A>C on transcript NM_001692.4 (MANE Select); coding-DNA position 1, A replaced by C.
Protein change: p.Met1Leu; changes the start codon (methionine 1).
Molecular consequence: missense variant, initiator codon variant.
Genome position (GRCh38, 1-based): chr2:70,935,955, A>C. VCF-style: chr2-70935955-A-C. GRCh37 (hg19) VCF-style: chr2-71163085-A-C.
Other names: short protein forms M1L.
Identifiers: ClinVar variation 957463 (VCV000957463.9), dbSNP rs1553415231, ClinGen allele CA347176656.
Genomic context (GRCh38, chr2:70,935,955, plus strand): 5'-GTCTCAGAGCTGCCACCAGCAGCAGGCTCAGACACTGGGCTCCCAGCTGGGGACTGCTCC[A>C]TGGCCATGGAGATAGACAGCAGGCCTGGGGGGCTCCCCGGCAGTAGCTGCAACCTAGGTG-3'
Protein context (NP_001683.2, residues 1-11): [Met1Leu]AMEIDSRPGG